The following is an entry in ClinVar:

ClinVar aggregate classification (germline): Likely pathogenic (1 of 4 stars; one submission).

Conditions:
PORCN-Related Developmental Disorders. Identifiers: MedGen CN381065.

Submission:

Clinical Genetics Laboratory, Skane University Hospital Lund
Classification: Likely pathogenic for PORCN-Related Developmental Disorders. Last evaluated: 2026-08-18. Review status: criteria provided, single submitter. Criteria: ACMG Guidelines, 2015. Collection method: clinical testing. Allele origin: de novo. Inheritance: X-linked dominant inheritance. Affected: yes.
Comment: ACMG criteria applied: PVS1_Moderate, PS1_Moderate, PS4_Supporting and PM2.

NM_203475.3(PORCN):c.1A>G (p.Met1Val)

Gene: PORCN (porcupine O-acyltransferase; plus strand). Cytogenetic location: Xp11.23.
Variant type: single nucleotide variant.
Coding change: c.1A>G on transcript NM_203475.3 (MANE Select); coding-DNA position 1, A replaced by G.
Protein change: p.Met1Val; changes the start codon (methionine 1).
Molecular consequence: missense variant, initiator codon variant. On other transcripts: 5 prime UTR variant (1), synonymous variant (1), non-coding transcript variant (2).
Genome position (GRCh38, 1-based): chrX:48,509,821, A>G. VCF-style: chrX-48509821-A-G. GRCh37 (hg19) VCF-style: chrX-48368209-A-G.
Other names: c.-142A>G (NM_001282167.2); c.340A>G, p.Met114Val (NM_001441333.1, NM_001441334.1); c.106A>G, p.Met36Val (NM_001441335.1); c.264A>G, p.Gln88= (NM_001441336.1); c.1A>G, p.Met1Val (NM_022825.4, NM_203473.3, NM_203474.1); short protein forms M114V, M1V, M36V.
Identifiers: ClinVar variation 5010271 (VCV005010271.1).